The following is an entry in ClinVar:

NM_000069.3(CACNA1S):c.4954C>T (p.Arg1652Cys)

Gene: CACNA1S (calcium voltage-gated channel subunit alpha1 S; minus strand). Cytogenetic location: 1q32.1.
Variant type: single nucleotide variant.
Coding change: c.4954C>T on transcript NM_000069.3 (MANE Select); coding-DNA position 4954, C replaced by T.
Protein change: p.Arg1652Cys; replaces arginine 1652 with cysteine.
Molecular consequence: missense variant.
Genome position (GRCh38, 1-based): chr1:201,043,375, G>A on the plus strand (C>T on the coding strand, the complement: CACNA1S is on the minus strand). VCF-style: chr1-201043375-G-A. GRCh37 (hg19) VCF-style: chr1-201012503-G-A.
Other names: short protein forms R1652C.
Identifiers: ClinVar variation 294709 (VCV000294709.59), dbSNP rs143933255, ClinGen allele CA083628.

ClinVar aggregate classification (germline): Benign/Likely benign. Review status: criteria provided, multiple submitters, no conflicts (2 of 4 stars). 11 submissions from 8 submitters: Benign (3); Likely benign (8). Last evaluated 2026-09-01.

Conditions:
Malignant hyperthermia, susceptibility to, 5 (MHS5). Also called: CACNA1S-Related Malignant Hyperthermia Susceptibility. Identifiers: Orphanet 423, MedGen C1866077, MONDO:0011163, OMIM 601887.
Hypokalemic periodic paralysis, type 1. Also called: HypoPP; Hypokalemic Periodic Paralysis Type 1 (AD). Identifiers: Orphanet 681, MedGen C3714580, MONDO:0042979, OMIM 170400.
Thyrotoxic periodic paralysis, susceptibility to, 1 (TTPP1). Identifiers: Orphanet 79102, MedGen C2749982, MONDO:0008570, OMIM 188580.
Congenital myopathy 18. Also called: DIHYDROPYRIDINE RECEPTOR CONGENITAL MYOPATHY; DHPR CONGENITAL MYOPATHY; Myopathy, congenital, due to dihydropyridine receptor defect. Identifiers: MedGen C5830283, MONDO:0859514, OMIM 620246.

Allele frequency attached by ClinVar (database versions not stated): gnomAD 0.00013; gnomAD exomes 0.00017 and 0.00039; 1000 Genomes Project 0.00020; TOPMed 0.00028; ExAC 0.00030; 1000 Genomes Project 30x 0.00031; ESP Exome Variant Server 0.00038.
gnomAD v4.1: 327 of 1,614,186 alleles (0.02%); highest among the groups gnomAD compares: Admixed American, 0.022%; 1 homozygote.

Submissions (11):

CeGaT Center for Human Genetics Tuebingen
Classification: Likely benign. Last evaluated: 2026-09-01. Review status: criteria provided, single submitter. Criteria: CeGaT Center For Human Genetics Tuebingen Variant Classification Criteria Version 2. Collection method: clinical testing. Allele origin: germline. Affected: yes. Observed: 28 variant alleles.
Comment: CACNA1S: BS2

Labcorp Genetics (formerly Invitae), Labcorp
Classification: Benign for Hypokalemic periodic paralysis, type 1; Malignant hyperthermia, susceptibility to, 5. Last evaluated: 2026-01-17. Review status: criteria provided, single submitter. Criteria: Invitae Variant Classification Sherloc (09022015). Collection method: clinical testing. Allele origin: germline.

ARUP Laboratories, Molecular Genetics and Genomics, ARUP Laboratories
Classification: Likely benign. Last evaluated: 2023-08-14. Review status: criteria provided, single submitter. Criteria: ARUP Molecular Germline Variant Investigation Process 2024. Collection method: clinical testing. Allele origin: germline.

Genome-Nilou Lab
Classification: Likely benign for Malignant hyperthermia, susceptibility to, 5. Last evaluated: 2023-04-11. Review status: criteria provided, single submitter. Criteria: ACMG Guidelines, 2015. Collection method: clinical testing. Allele origin: germline. Affected: no.

Genome-Nilou Lab
Classification: Likely benign for Thyrotoxic periodic paralysis, susceptibility to, 1. Last evaluated: 2023-04-11. Review status: criteria provided, single submitter. Criteria: ACMG Guidelines, 2015. Collection method: clinical testing. Allele origin: germline. Affected: no.

Genome-Nilou Lab
Classification: Likely benign for Congenital myopathy 18. Last evaluated: 2023-04-11. Review status: criteria provided, single submitter. Criteria: ACMG Guidelines, 2015. Collection method: clinical testing. Allele origin: germline. Affected: no.

Genome-Nilou Lab
Classification: Likely benign for Hypokalemic periodic paralysis, type 1. Last evaluated: 2023-04-11. Review status: criteria provided, single submitter. Criteria: ACMG Guidelines, 2015. Collection method: clinical testing. Allele origin: germline. Affected: no.

Color Diagnostics, LLC DBA Color Health
Classification: Benign for Malignant hyperthermia, susceptibility to, 5. Last evaluated: 2022-11-06. Review status: criteria provided, single submitter. Criteria: ACMG Guidelines, 2015. Collection method: clinical testing. Allele origin: germline.

GeneDx
Classification: Likely benign. Last evaluated: 2022-04-27. Review status: criteria provided, single submitter. Criteria: GeneDx Variant Classification Process June 2021. Collection method: clinical testing. Allele origin: germline. Affected: yes.
Comment: See Variant Classification Assertion Criteria.

Illumina Laboratory Services, Illumina
Classification: Benign for Hypokalemic periodic paralysis, type 1. Last evaluated: 2018-01-12. Review status: criteria provided, single submitter. Criteria: ICSL Variant Classification Criteria 13 December 2019. Collection method: clinical testing. Allele origin: germline.
Comment: This variant was observed in the ICSL laboratory as part of a predisposition screen in an ostensibly healthy population. It had not been previously curated by ICSL or reported in the Human Gene Mutation Database (HGMD: prior to June 1st, 2018), and was therefore a candidate for classification through an automated scoring system. Utilizing variant allele frequency, disease prevalence and penetrance estimates, and inheritance mode, an automated score was calculated to assess if this variant is too frequent to cause the disease. Based on the score and internal cut-off values, a variant classified as benign is not then subjected to further curation. The score for this variant resulted in a classification of benign for this disease.

Breakthrough Genomics
Classification: Likely benign. Review status: criteria provided, single submitter. Criteria: ACMG Guidelines, 2015. Collection method: not provided. Allele origin: germline. Inheritance: Autosomal dominant inheritance. Affected: yes.